The following is an entry in ClinVar:

ClinVar aggregate classification (germline): Likely benign. Review status: criteria provided, multiple submitters, no conflicts (2 of 4 stars). 2 submissions from 2 submitters: Likely benign (2). Last evaluated 2026-04-01.

Allele frequency attached by ClinVar (database versions not stated): gnomAD 0.00001; TOPMed 0.00001; ExAC 0.00002.

Submissions (2):

CeGaT Center for Human Genetics Tuebingen
Classification: Likely benign. Last evaluated: 2026-04-01. Review status: criteria provided, single submitter. Criteria: CeGaT Center For Human Genetics Tuebingen Variant Classification Criteria Version 2. Collection method: clinical testing. Allele origin: germline. Affected: yes. Observed: 1 variant allele.
Comment: CNTNAP1: BP4, BP7

Labcorp Genetics (formerly Invitae), Labcorp
Classification: Likely benign. Last evaluated: 2023-01-30. Review status: criteria provided, single submitter. Criteria: Invitae Variant Classification Sherloc (09022015). Collection method: clinical testing. Allele origin: germline.

NM_003632.3(CNTNAP1):c.3822C>T (p.Pro1274=)

Gene: CNTNAP1 (contactin associated protein 1; plus strand). Cytogenetic location: 17q21.2.
Variant type: single nucleotide variant.
Coding change: c.3822C>T on transcript NM_003632.3 (MANE Select); coding-DNA position 3822, C replaced by T.
Protein change: p.Pro1274=; no amino-acid change (proline 1274 retained).
Molecular consequence: synonymous variant.
Genome position (GRCh38, 1-based): chr17:42,697,910, C>T. VCF-style: chr17-42697910-C-T. GRCh37 (hg19) VCF-style: chr17-40849928-C-T.
Identifiers: ClinVar variation 2912413 (VCV002912413.5), dbSNP rs748867990, ClinGen allele CA8582461.